The following is an entry in ClinVar:

ClinVar aggregate classification (germline): Uncertain significance (0 of 4 stars; one submission).

Conditions:
PCNT-related disorder. Also called: PCNT-related condition.

Allele frequency attached by ClinVar (database versions not stated): gnomAD exomes 0.00001; ExAC 0.00003; gnomAD 0.00005; ESP Exome Variant Server 0.00008; TOPMed 0.00012; 1000 Genomes Project 0.00040; 1000 Genomes Project 30x 0.00047.
gnomAD v4.1: 23 of 1,614,214 alleles (0.0014%); highest among the groups gnomAD compares: African/African-American, 0.028%; no homozygotes.

Submission:

PreventionGenetics, part of Exact Sciences
Classification: Uncertain significance for PCNT-related condition. Last evaluated: 2024-08-19. Review status: no assertion criteria provided. Collection method: clinical testing. Allele origin: germline.
Comment: The PCNT c.4358G>A variant is predicted to result in the amino acid substitution p.Cys1453Tyr. To our knowledge, this variant has not been reported in the literature. This variant is reported in 0.032% of alleles in individuals of African descent in gnomAD. At this time, the clinical significance of this variant is uncertain due to the absence of conclusive functional and genetic evidence.

NM_006031.6(PCNT):c.4358G>A (p.Cys1453Tyr)

Gene: PCNT (pericentrin; plus strand). Cytogenetic location: 21q22.3.
Variant type: single nucleotide variant.
Coding change: c.4358G>A on transcript NM_006031.6 (MANE Select); coding-DNA position 4358, G replaced by A.
Protein change: p.Cys1453Tyr; replaces cysteine 1453 with tyrosine.
Molecular consequence: missense variant.
Genome position (GRCh38, 1-based): chr21:46,397,406, G>A. VCF-style: chr21-46397406-G-A. GRCh37 (hg19) VCF-style: chr21-47817320-G-A.
Other names: c.4004G>A, p.Cys1335Tyr (NM_001315529.2); short protein forms C1335Y, C1453Y.
Identifiers: ClinVar variation 3032968 (VCV003032968.2), dbSNP rs373583081, ClinGen allele CA10079606.
Genomic context (GRCh38, chr21:46,397,406, plus strand): 5'-TCTCCCAGATGAAGATTTTGGAGTCTGAGTTAGAAGAACAGCTGTCTCAGCATCGCGGGT[G>A]TGCCAAGCAGGCGGAGGCCGTCACTGCCCTGGAACAGCAGGTGGCATCTCTGGACAAGCA-3'
Protein context (NP_006022.3, residues 1443-1463): LEEQLSQHRG[Cys1453Tyr]AKQAEAVTAL